The following is an entry in ClinVar:

ClinVar aggregate classification (germline): Uncertain significance (1 of 4 stars; one submission).

Conditions:
Ciliary dyskinesia, primary, 37 (CILD37). Also called: CILIARY DYSKINESIA, PRIMARY, 37, WITH OR WITHOUT SITUS INVERSUS. Identifiers: MedGen C4539798, MONDO:0033204, OMIM 617577.
Spermatogenic failure 18. Identifiers: MedGen C4539783, MONDO:0054615, OMIM 617576.

Allele frequency attached by ClinVar (database versions not stated): gnomAD exomes below 0.00001; TOPMed below 0.00001; gnomAD 0.00001.
gnomAD v4.1: 2 of 1,613,340 alleles (0.00012%); highest among the groups gnomAD compares: Non-Finnish European, 0.000085%; no homozygotes.

Submission:

Labcorp Genetics (formerly Invitae), Labcorp
Classification: Uncertain significance for Ciliary dyskinesia, primary, 37; Spermatogenic failure 18. Last evaluated: 2022-06-27. Review status: criteria provided, single submitter. Criteria: Invitae Variant Classification Sherloc (09022015). Collection method: clinical testing. Allele origin: germline.
Comment: This sequence change replaces proline, which is neutral and non-polar, with alanine, which is neutral and non-polar, at codon 3751 of the DNAH1 protein (p.Pro3751Ala). This variant is not present in population databases (gnomAD no frequency). This variant has not been reported in the literature in individuals affected with DNAH1-related conditions. Algorithms developed to predict the effect of missense changes on protein structure and function are either unavailable or do not agree on the potential impact of this missense change (SIFT: "Deleterious"; PolyPhen-2: "Benign"; Align-GVGD: "Class C0"). In summary, the available evidence is currently insufficient to determine the role of this variant in disease. Therefore, it has been classified as a Variant of Uncertain Significance.

NM_015512.5(DNAH1):c.11251C>G (p.Pro3751Ala)

Gene: DNAH1 (dynein axonemal heavy chain 1; plus strand). Cytogenetic location: 3p21.1.
Variant type: single nucleotide variant.
Coding change: c.11251C>G on transcript NM_015512.5 (MANE Select); coding-DNA position 11251, C replaced by G.
Protein change: p.Pro3751Ala; replaces proline 3751 with alanine.
Molecular consequence: missense variant.
Genome position (GRCh38, 1-based): chr3:52,395,670, C>G. VCF-style: chr3-52395670-C-G. GRCh37 (hg19) VCF-style: chr3-52429686-C-G.
Other names: short protein forms P3751A.
Identifiers: ClinVar variation 1504377 (VCV001504377.5), dbSNP rs1371620189, ClinGen allele CA353208588.